The following is an entry in ClinVar:

ClinVar aggregate classification (germline): Uncertain significance. Review status: criteria provided, multiple submitters, no conflicts (2 of 4 stars). 2 submissions from 2 submitters: Uncertain significance (2). Last evaluated 2025-01-08.

Conditions:
Inborn genetic diseases. Identifiers: MedGen C0950123, MeSH D030342.

Allele frequency attached by ClinVar (database versions not stated): ExAC 0.00002; gnomAD exomes 0.00002 and 0.00008; TOPMed 0.00002; ESP Exome Variant Server 0.00008.

Submissions (2):

Ambry Genetics
Classification: Uncertain significance for Inborn genetic diseases. Last evaluated: 2025-01-08. Review status: criteria provided, single submitter. Criteria: Ambry Variant Classification Scheme 2023. Collection method: clinical testing. Allele origin: germline.

Labcorp Genetics (formerly Invitae), Labcorp
Classification: Uncertain significance. Last evaluated: 2021-08-28. Review status: criteria provided, single submitter. Criteria: Invitae Variant Classification Sherloc (09022015). Collection method: clinical testing. Allele origin: germline.
Comment: This sequence change replaces asparagine with serine at codon 849 of the CUL7 protein (p.Asn849Ser). The asparagine residue is highly conserved and there is a small physicochemical difference between asparagine and serine. This variant is present in population databases (rs148772593, ExAC 0.003%). This variant has not been reported in the literature in individuals affected with CUL7-related conditions. Algorithms developed to predict the effect of missense changes on protein structure and function are either unavailable or do not agree on the potential impact of this missense change (SIFT: "Deleterious"; PolyPhen-2: "Probably Damaging"; Align-GVGD: "Class C0"). In summary, the available evidence is currently insufficient to determine the role of this variant in disease. Therefore, it has been classified as a Variant of Uncertain Significance.

NM_014780.5(CUL7):c.2546A>G (p.Asn849Ser)

Gene: CUL7 (cullin 7; minus strand). Cytogenetic location: 6p21.1.
Variant type: single nucleotide variant.
Coding change: c.2546A>G on transcript NM_014780.5 (MANE Select); coding-DNA position 2546, A replaced by G.
Protein change: p.Asn849Ser; replaces asparagine 849 with serine.
Molecular consequence: missense variant.
Genome position (GRCh38, 1-based): chr6:43,046,350, T>C on the plus strand (A>G on the coding strand, the complement: CUL7 is on the minus strand). VCF-style: chr6-43046350-T-C. GRCh37 (hg19) VCF-style: chr6-43014088-T-C.
Other names: c.2642A>G, p.Asn881Ser (NM_001168370.2, NM_001374872.1); c.2546A>G, p.Asn849Ser (NM_001374873.1, NM_001374874.1); c.2546A>G (NM_014780.4); short protein forms N849S, N881S.
Identifiers: ClinVar variation 1007930 (VCV001007930.7), dbSNP rs148772593, ClinGen allele CA3813806.